The following is an entry in ClinVar:

ClinVar aggregate classification (germline): Pathogenic (1 of 4 stars; one submission).

Conditions:
Ehlers-Danlos syndrome, musculocontractural type (EDSMC). Also called: Adducted thumb, clubfoot, progressive joint and skin laxity syndrome; DUNDAR SYNDROME; ARTHROGRYPOSIS, DISTAL, WITH PECULIAR FACIES AND HYDRONEPHROSIS; ADDUCTED THUMB-CLUBFOOT SYNDROME. Identifiers: Orphanet 2953, MedGen C1866294, MONDO:0011142.

Submission:

Labcorp Genetics (formerly Invitae), Labcorp
Classification: Pathogenic for Ehlers-Danlos syndrome, musculocontractural type. Last evaluated: 2024-05-11. Review status: criteria provided, single submitter. Criteria: Invitae Variant Classification Sherloc (09022015). Collection method: clinical testing. Allele origin: germline.
Comment: This sequence change creates a premature translational stop signal (p.Leu18Profs*126) in the CHST14 gene. While this is not anticipated to result in nonsense mediated decay, it is expected to disrupt the last 359 amino acid(s) of the CHST14 protein. This variant is not present in population databases (gnomAD no frequency). This variant has not been reported in the literature in individuals affected with CHST14-related conditions. This variant disrupts a region of the CHST14 protein in which other variant(s) (p.Tyr293Cys) have been determined to be pathogenic (PMID: 10766984, 20004762, 20533528, 21744491). This suggests that this is a clinically significant region of the protein, and that variants that disrupt it are likely to be disease-causing. For these reasons, this variant has been classified as Pathogenic.

Literature cited by the submitters: PubMed 10766984; PubMed 20004762; PubMed 20533528; PubMed 21744491.

NM_130468.4(CHST14):c.53_57del (p.Leu18fs)

Genes: CHST14 (carbohydrate sulfotransferase 14; plus strand), LOC130056851 (ATAC-STARR-seq lymphoblastoid silent region 6336; plus strand). Cytogenetic location: 15q15.1.
Variant type: Deletion.
Coding change: c.53_57del on transcript NM_130468.4 (MANE Select); coding-DNA positions 53 to 57, 5 bases deleted (TGGGC; older notation c.53_57delTGGGC).
Protein change: p.Leu18fs; shifts the reading frame from leucine 18.
Molecular consequence: frameshift variant.
Genome position (GRCh38, 1-based): chr15:40,471,266-40,471,270, TGGGC deleted; deleting any 5 consecutive bases within chr15:40,471,265-40,471,270 gives the same sequence; the c. name uses the placement nearest the transcript's 3' end. VCF-style (leftmost placement, unchanged base first): chr15-40471264-CCTGGG-C. GRCh37 (hg19) VCF-style: chr15-40763463-CCTGGG-C.
Other names: short protein forms L18fs.
Identifiers: ClinVar variation 3653043 (VCV003653043.2).
Genomic context (GRCh38, chr15:40,471,264, plus strand): 5'-CTTGAGCACCATGTTCCCCCGCCCGCTGACCCCGCTGGCGGCCCCAAATGGCGCCGAGCC[CCTGGG>C]CCGGGCGCTGAGGCGGGCCCCTCTGGGCAGGGCCCGGGCGGGGCTGGGTGGGCCGCCCCT-3'